The following is an entry in ClinVar:

ClinVar aggregate classification (germline): Pathogenic (1 of 4 stars; one submission).

Submission:

Labcorp Genetics (formerly Invitae), Labcorp
Classification: Pathogenic. Last evaluated: 2025-08-13. Review status: criteria provided, single submitter. Criteria: Invitae Variant Classification Sherloc (09022015). Collection method: clinical testing. Allele origin: germline.
Comment: This sequence change creates a premature translational stop signal (p.Lys805Serfs*8) in the LZTR1 gene. While this is not anticipated to result in nonsense mediated decay, it is expected to disrupt the last 36 amino acid(s) of the LZTR1 protein. This variant is not present in population databases (gnomAD no frequency). This variant has not been reported in the literature in individuals affected with LZTR1-related conditions. This variant disrupts a region of the LZTR1 protein in which other variant(s) (p.Leu806Trp) have been determined to be pathogenic (internal data). This suggests that this is a clinically significant region of the protein, and that variants that disrupt it are likely to be disease-causing. For these reasons, this variant has been classified as Pathogenic.

NM_006767.4(LZTR1):c.2412del (p.Lys805fs)

Gene: LZTR1 (leucine zipper like post translational regulator 1; plus strand). Cytogenetic location: 22q11.21.
Variant type: Deletion.
Coding change: c.2412del on transcript NM_006767.4 (MANE Select); coding-DNA position 2412, one base deleted (C; older notation c.2412delC).
Protein change: p.Lys805fs; shifts the reading frame from lysine 805.
Molecular consequence: frameshift variant.
Genome position (GRCh38, 1-based): chr22:20,997,237, C deleted; the last of 2 consecutive C bases (chr22:20,997,236-20,997,237); deleting either gives the same sequence. VCF-style (leftmost placement, unchanged base first): chr22-20997235-TC-T. GRCh37 (hg19) VCF-style: chr22-21351524-TC-T.
Other names: short protein forms K805fs.
Identifiers: ClinVar variation 4725402 (VCV004725402.1).